The following is an entry in ClinVar:

NM_001018005.2(TPM1):c.97G>A (p.Glu33Lys)

Gene: TPM1 (tropomyosin 1; plus strand). Cytogenetic location: 15q22.2.
Variant type: single nucleotide variant.
Coding change: c.97G>A on transcript NM_001018005.2 (MANE Select); coding-DNA position 97, G replaced by A.
Protein change: p.Glu33Lys; replaces glutamic acid 33 with lysine.
Molecular consequence: missense variant.
Genome position (GRCh38, 1-based): chr15:63,042,926, G>A. VCF-style: chr15-63042926-G-A. GRCh37 (hg19) VCF-style: chr15-63335125-G-A.
Other names: c.97G>A, p.Glu33Lys (NM_000366.6, NM_001018004.2, NM_001018006.2 and 7 more transcripts); short protein forms E33K.
Identifiers: ClinVar variation 43451 (VCV000043451.15), dbSNP rs397516397, ClinGen allele CA018447.

ClinVar aggregate classification (germline): Uncertain significance. Review status: criteria provided, multiple submitters, no conflicts (2 of 4 stars). 4 submissions from 4 submitters: Uncertain significance (2). 2 of the submissions do not count toward it. Last evaluated 2024-12-23.

Conditions:
Hypertrophic cardiomyopathy. Also called: HYPERTROPHIC MYOCARDIOPATHY. Identifiers: Orphanet 217569, MedGen C0007194, MeSH D002312, MONDO:0005045, HP:0001639.

Allele frequency attached by ClinVar (database versions not stated): gnomAD exomes below 0.00001.

Submissions (4):

Labcorp Genetics (formerly Invitae), Labcorp
Classification: Uncertain significance for Hypertrophic cardiomyopathy. Last evaluated: 2024-12-23. Review status: criteria provided, single submitter. Criteria: Invitae Variant Classification Sherloc (09022015). Collection method: clinical testing. Allele origin: germline.
Comment: This sequence change replaces glutamic acid, which is acidic and polar, with lysine, which is basic and polar, at codon 33 of the TPM1 protein (p.Glu33Lys). This variant is not present in population databases (gnomAD no frequency). This missense change has been observed in individual(s) with dilated cardiomyopathy (PMID: 24503780, 30847666, 30923642). ClinVar contains an entry for this variant (Variation ID: 43451). An algorithm developed to predict the effect of missense changes on protein structure and function (PolyPhen-2) suggests that this variant is likely to be disruptive. Experimental studies are conflicting or provide insufficient evidence to determine the effect of this variant on TPM1 function (PMID: 30923642). In summary, the available evidence is currently insufficient to determine the role of this variant in disease. Therefore, it has been classified as a Variant of Uncertain Significance.

Laboratory for Molecular Medicine, Mass General Brigham Personalized Medicine
Classification: Uncertain significance. Last evaluated: 2019-07-31. Review status: criteria provided, single submitter. Criteria: LMM Criteria. Collection method: clinical testing. Allele origin: germline. Observed: 3 variant alleles.
Comment: proposed classification - variant undergoing re-assessment, contact laboratory

Clinical Genetics, Academic Medical Center
Classification: Uncertain significance. Review status: no assertion criteria provided. Collection method: clinical testing. Allele origin: germline. Affected: yes. Study: VKGL Data-share Consensus. Not counted in ClinVar's aggregate classification.

Diagnostic Laboratory, Department of Genetics, University Medical Center Groningen
Classification: Uncertain significance. Review status: no assertion criteria provided. Collection method: clinical testing. Allele origin: germline. Affected: yes. Study: VKGL Data-share Consensus. Not counted in ClinVar's aggregate classification.

Literature cited by the submitters: PubMed 24503780 (cited by Labcorp Genetics (formerly Invitae), Labcorp); PubMed 30847666 (cited by Labcorp Genetics (formerly Invitae), Labcorp); PubMed 30923642 (cited by Labcorp Genetics (formerly Invitae), Labcorp and Laboratory for Molecular Medicine, Mass General Brigham Personalized Medicine).